The following is an entry in ClinVar:

ClinVar aggregate classification (germline): Uncertain significance (1 of 4 stars; one submission).

Submission:

Laboratory for Molecular Medicine, Mass General Brigham Personalized Medicine
Classification: Uncertain significance. Last evaluated: 2017-03-28. Review status: criteria provided, single submitter. Criteria: LMM Criteria. Collection method: clinical testing. Allele origin: germline. Observed: 1 variant allele.
Comment: Variant classified as Uncertain Significance - Favor Pathogenic. The p.Glu841Asp variant in OTOF has not been previously reported in individuals with hearing lo ss and was absent from large population studies. This variant is located at the last base of the exon, which is part of the 5? splice region. Computational tool s suggest an impact to splicing; however, this information is not predictive eno ugh to determine pathogenicity. In summary, while there is some suspicion for a pathogenic role, the clinical significance of the p.Glu841Asp variant is uncerta in.

NM_194248.3(OTOF):c.2523G>T (p.Glu841Asp)

Gene: OTOF (otoferlin; minus strand). Cytogenetic location: 2p23.3.
Variant type: single nucleotide variant.
Coding change: c.2523G>T on transcript NM_194248.3 (MANE Select); coding-DNA position 2523, G replaced by T.
Protein change: p.Glu841Asp; replaces glutamic acid 841 with aspartic acid.
Molecular consequence: missense variant.
Genome position (GRCh38, 1-based): chr2:26,477,172, C>A on the plus strand (G>T on the coding strand, the complement: OTOF is on the minus strand). VCF-style: chr2-26477172-C-A. GRCh37 (hg19) VCF-style: chr2-26700040-C-A.
Other names: c.2523G>T, p.Glu841Asp (NM_001287489.2); c.282G>T, p.Glu94Asp (NM_004802.4, NM_194323.3); c.453G>T, p.Glu151Asp (NM_194322.3); short protein forms E841D, E94D, E151D.
Identifiers: ClinVar variation 517295 (VCV000517295.5), dbSNP rs1553352609, ClinGen allele CA346121202.